The following is an entry in ClinVar:

NM_007294.4(BRCA1):c.5136G>C (p.Trp1712Cys)

Gene: BRCA1 (BRCA1 DNA repair associated; minus strand). Cytogenetic location: 17q21.31.
Variant type: single nucleotide variant.
Coding change: c.5136G>C on transcript NM_007294.4 (MANE Select); coding-DNA position 5136, G replaced by C.
Protein change: p.Trp1712Cys; replaces tryptophan 1712 with cysteine.
Molecular consequence: missense variant. On other transcripts: non-coding transcript variant (1).
Genome position (GRCh38, 1-based): chr17:43,063,890, C>G on the plus strand (G>C on the coding strand, the complement: BRCA1 is on the minus strand). VCF-style: chr17-43063890-C-G. GRCh37 (hg19) VCF-style: chr17-41215907-C-G.
Other names: c.1704G>C, p.Trp568Cys (NM_001408431.1, NM_001408425.1, NM_001408426.1 and 4 more transcripts); c.1701G>C, p.Trp567Cys (NM_001408432.1, NM_001408433.1, NM_001408444.1 and 10 more transcripts); c.1698G>C, p.Trp566Cys (NM_001408445.1, NM_001408446.1, NM_001408447.1 and 2 more transcripts); c.1692G>C, p.Trp564Cys (NM_001408451.1); c.1686G>C, p.Trp562Cys (NM_001408452.1, NM_001408453.1, NM_001408454.1 and 3 more transcripts); c.1683G>C, p.Trp561Cys (NM_001408464.1, NM_001408465.1, NM_001408466.1 and 7 more transcripts); c.1680G>C, p.Trp560Cys (NM_001408468.1, NM_001408469.1, NM_001408470.1); c.1824G>C, p.Trp608Cys (NM_001408472.1, NM_007298.4, NM_007299.4 and 13 more transcripts); and 71 more; short protein forms W1733C, W1665C, W1712C, W608C, W1415C, W1623C, W1624C, W1642C.
Identifiers: ClinVar variation 867689 (VCV000867689.3), dbSNP rs80357418, ClinGen allele CA10591270.
Genomic context (GRCh38, chr17:43,063,890, plus strand): 5'-CTGAGGTGTTAAAGGGAGGAGGGGAGAAATAGTATTATACTTACAGAAATAGCTAACTAC[C>G]CATTTTCCTCCCGCAATTCCTAGAAAATATTTCAGTGTCCGTTCACACACAAACTCAGCA-3'
Protein context (NP_009225.1, residues 1702-1722): KYFLGIAGGK[Trp1712Cys]VVSYFWVTQS

Conditions:
Breast-ovarian cancer, familial, susceptibility to, 1 (BROVCA1). Also called: BRCA1 Hereditary Breast and Ovarian Cancer; OVARIAN CANCER, SUSCEPTIBILITY TO. Identifiers: Orphanet 145, MedGen C2676676, MONDO:0011450, OMIM 604370. Disease mechanism: loss of function.

Submission:

Brotman Baty Institute, University of Washington
No classification provided (evidence only). Condition: Breast-ovarian cancer, familial 1. Review status: no classification provided. Collection method: in vitro. Allele origin: not applicable. Functional consequence: functionally_normal.
ClinVar note: "not provided" was previously submitted as the classification for the variant. However, the classification appeared to be based only on an observation of functional data so it was converted to no classification on 2025-07-30.